The following is an entry in ClinVar:

NM_006939.4(SOS2):c.2193T>G (p.Ile731Met)

Gene: SOS2 (SOS Ras/Rho guanine nucleotide exchange factor 2; minus strand). Cytogenetic location: 14q21.3.
Variant type: single nucleotide variant.
Coding change: c.2193T>G on transcript NM_006939.4 (MANE Select); coding-DNA position 2193, T replaced by G.
Protein change: p.Ile731Met; replaces isoleucine 731 with methionine.
Molecular consequence: missense variant.
Genome position (GRCh38, 1-based): chr14:50,150,199, A>C on the plus strand (T>G on the coding strand, the complement: SOS2 is on the minus strand). VCF-style: chr14-50150199-A-C. GRCh37 (hg19) VCF-style: chr14-50616917-A-C.
Other names: c.2094T>G, p.Ile698Met (NM_001411020.1); short protein forms I698M, I731M.
Identifiers: ClinVar variation 1720059 (VCV001720059.6), dbSNP rs2139595532, ClinGen allele CA389643994.

ClinVar aggregate classification (germline): Uncertain significance (1 of 4 stars; one submission).

Conditions:
Noonan syndrome 9 (NS9). Identifiers: Orphanet 648, MedGen C4225282, MONDO:0014691, OMIM 616559.

Submission:

Labcorp Genetics (formerly Invitae), Labcorp
Classification: Uncertain significance for Noonan syndrome 9. Last evaluated: 2022-09-22. Review status: criteria provided, single submitter. Criteria: Invitae Variant Classification Sherloc (09022015). Collection method: clinical testing. Allele origin: germline.
Comment: In summary, the available evidence is currently insufficient to determine the role of this variant in disease. Therefore, it has been classified as a Variant of Uncertain Significance. Advanced modeling of protein sequence and biophysical properties (such as structural, functional, and spatial information, amino acid conservation, physicochemical variation, residue mobility, and thermodynamic stability) performed at Invitae indicates that this missense variant is expected to disrupt SOS2 protein function. This variant has not been reported in the literature in individuals affected with SOS2-related conditions. This variant is not present in population databases (gnomAD no frequency). This sequence change replaces isoleucine, which is neutral and non-polar, with methionine, which is neutral and non-polar, at codon 731 of the SOS2 protein (p.Ile731Met).